The following is an entry in ClinVar:

ClinVar aggregate classification (germline): Uncertain significance. Review status: criteria provided, multiple submitters, no conflicts (2 of 4 stars). 2 submissions from 2 submitters: Uncertain significance (2). Last evaluated 2025-12-13.

Conditions:
Aortic aneurysm, familial thoracic 7 (AAT7). Also called: AORTIC DISSECTION, FAMILIAL, WITH OR WITHOUT AORTIC ANEURYSM. Identifiers: MedGen C3151077, MONDO:0013418, OMIM 613780.

gnomAD v4.1: 4 of 1,613,998 alleles (0.00025%); highest among the groups gnomAD compares: East Asian, 0.0045%; no homozygotes.

Submissions (2):

Labcorp Genetics (formerly Invitae), Labcorp
Classification: Uncertain significance for Aortic aneurysm, familial thoracic 7. Last evaluated: 2025-12-13. Review status: criteria provided, single submitter. Criteria: Invitae Variant Classification Sherloc (09022015). Collection method: clinical testing. Allele origin: germline.
Comment: This sequence change replaces isoleucine, which is neutral and non-polar, with valine, which is neutral and non-polar, at codon 12 of the MYLK protein (p.Ile12Val). This variant is present in population databases (no rsID available, gnomAD 0.006%). This variant has not been reported in the literature in individuals affected with MYLK-related conditions. ClinVar contains an entry for this variant (Variation ID: 4083141). Invitae Evidence Modeling of protein sequence and biophysical properties (such as structural, functional, and spatial information, amino acid conservation, physicochemical variation, residue mobility, and thermodynamic stability) indicates that this missense variant is not expected to disrupt MYLK protein function with a negative predictive value of 95%. In summary, the available evidence is currently insufficient to determine the role of this variant in disease. Therefore, it has been classified as a Variant of Uncertain Significance.

GeneDx
Classification: Uncertain significance. Last evaluated: 2025-03-07. Review status: criteria provided, single submitter. Criteria: GeneDx Variant Classification Process June 2021. Collection method: clinical testing. Allele origin: germline. Affected: yes.
Comment: Not observed at significant frequency in large population cohorts (gnomAD); In silico analysis indicates that this missense variant does not alter protein structure/function; Has not been previously published as pathogenic or benign to our knowledge

NM_053025.4(MYLK):c.34A>G (p.Ile12Val)

Gene: MYLK (myosin light chain kinase; minus strand). Cytogenetic location: 3q21.1.
Variant type: single nucleotide variant.
Coding change: c.34A>G on transcript NM_053025.4 (MANE Select); coding-DNA position 34, A replaced by G.
Protein change: p.Ile12Val; replaces isoleucine 12 with valine.
Molecular consequence: missense variant. On other transcripts: 5 prime UTR variant (1).
Genome position (GRCh38, 1-based): chr3:123,793,808, T>C on the plus strand (A>G on the coding strand, the complement: MYLK is on the minus strand). VCF-style: chr3-123793808-T-C. GRCh37 (hg19) VCF-style: chr3-123512655-T-C.
Other names: c.-287A>G (NM_001321309.2); c.34A>G, p.Ile12Val (NM_053026.4, NM_053027.4, NM_053028.4); short protein forms I12V.
Identifiers: ClinVar variation 4083141 (VCV004083141.2).